The following is an entry in ClinVar:

NM_032532.3(FNDC1):c.4661C>T (p.Thr1554Met)

Gene: FNDC1 (fibronectin type III domain containing 1; plus strand). Cytogenetic location: 6q25.3.
Variant type: single nucleotide variant.
Coding change: c.4661C>T on transcript NM_032532.3 (MANE Select); coding-DNA position 4661, C replaced by T.
Protein change: p.Thr1554Met; replaces threonine 1554 with methionine.
Molecular consequence: missense variant.
Genome position (GRCh38, 1-based): chr6:159,246,940, C>T. VCF-style: chr6-159246940-C-T. GRCh37 (hg19) VCF-style: chr6-159667972-C-T.
Other names: short protein forms T1554M.
Identifiers: ClinVar variation 2657097 (VCV002657097.24), dbSNP rs61746218, ClinGen allele CA4077912.
Genomic context (GRCh38, chr6:159,246,940, plus strand): 5'-CCTTTTCTCTGTCCTCACTAGATGAGTTCTCAGGCTTGGAGACTGACACTGCAGTACCTA[C>T]GGAAGAGGCCTACGTTATATATGATGAAGGTACAAACTGGCTTTTGAAAAATTATTTGCA-3'
Protein context (NP_115921.2, residues 1544-1564): SGLETDTAVP[Thr1554Met]EEAYVIYDED

ClinVar aggregate classification (germline): Likely benign (1 of 4 stars; one submission).

Allele frequency attached by ClinVar (database versions not stated): 1000 Genomes Project 0.00339; 1000 Genomes Project 30x 0.00375; gnomAD 0.00481; ExAC 0.00489; TOPMed 0.00499; ESP Exome Variant Server 0.00586.

Submission:

CeGaT Center for Human Genetics Tuebingen
Classification: Likely benign. Last evaluated: 2023-04-01. Review status: criteria provided, single submitter. Criteria: CeGaT Center For Human Genetics Tuebingen Variant Classification Criteria Version 2. Collection method: clinical testing. Allele origin: germline. Affected: yes. Observed: 1 variant allele.
Comment: FNDC1: BP4, BS2